The following is an entry in ClinVar:

ClinVar aggregate classification (germline): Uncertain significance (1 of 4 stars; one submission).

Allele frequency attached by ClinVar (database versions not stated): TOPMed below 0.00001.

Submission:

GeneDx
Classification: Uncertain significance. Last evaluated: 2022-03-01. Review status: criteria provided, single submitter. Criteria: GeneDx Variant Classification Process June 2021. Collection method: clinical testing. Allele origin: germline. Affected: yes.
Comment: Not observed at significant frequency in large population cohorts (gnomAD); In silico analysis supports that this missense variant has a deleterious effect on protein structure/function; Has not been previously published as pathogenic or benign to our knowledge

NM_001020658.2(PUM1):c.1172C>T (p.Pro391Leu)

Gene: PUM1 (pumilio RNA binding family member 1; minus strand). Cytogenetic location: 1p35.2.
Variant type: single nucleotide variant.
Coding change: c.1172C>T on transcript NM_001020658.2 (MANE Select); coding-DNA position 1172, C replaced by T.
Protein change: p.Pro391Leu; replaces proline 391 with leucine.
Molecular consequence: missense variant.
Genome position (GRCh38, 1-based): chr1:30,981,392, G>A on the plus strand (C>T on the coding strand, the complement: PUM1 is on the minus strand). VCF-style: chr1-30981392-G-A. GRCh37 (hg19) VCF-style: chr1-31454239-G-A.
Other names: c.1172C>T, p.Pro391Leu (NM_014676.3); short protein forms P391L.
Identifiers: ClinVar variation 1704089 (VCV001704089.2), dbSNP rs1354813672, ClinGen allele CA339567966.